The following is an entry in ClinVar:

NM_001042492.3(NF1):c.7076_7102del (p.Val2359_Leu2367del)

Gene: NF1 (neurofibromin 1; plus strand). Cytogenetic location: 17q11.2.
Variant type: Deletion.
Coding change: c.7076_7102del on transcript NM_001042492.3 (MANE Select); coding-DNA positions 7076 to 7102, 27 bases deleted (TATTTATGGCAATCCGGAATCCTCTGG).
Protein change: p.Val2359_Leu2367del.
Molecular consequence: inframe deletion. On other transcripts: inframe indel (1).
Genome position (GRCh38, 1-based): chr17:31,343,022-31,343,048, TATTTATGGCAATCCGGAATCCTCTGG deleted; deleting any 27 consecutive bases within chr17:31,343,021-31,343,048 gives the same sequence; the c. name uses the placement nearest the transcript's 3' end. VCF-style (leftmost placement, unchanged base first): chr17-31343020-AGTATTTATGGCAATCCGGAATCCTCTG-A. GRCh37 (hg19) VCF-style: chr17-29670038-AGTATTTATGGCAATCCGGAATCCTCTG-A.
Other names: c.7013_7039del27, p.Val2338_Leu2346del (NM_000267.4).
Identifiers: ClinVar variation 522586 (VCV000522586.2), dbSNP rs1555535403, ClinGen allele CA658798777.

ClinVar aggregate classification (germline): Pathogenic (1 of 4 stars; one submission).

Conditions:
Neurofibromatosis, type 1 (NF1). Also called: NEUROFIBROMATOSIS, TYPE I, SOMATIC; Peripheral type neurofibromatosis; Neurofibromatosis, type I; VON RECKLINGHAUSEN DISEASE. Identifiers: Orphanet 636, MedGen C0027831, MONDO:0018975, OMIM 162200. Disease mechanism: loss of function.

Submission:

Fan Lab, Zhengzhou University
Classification: Pathogenic for Neurofibromatosis, type 1. Last evaluated: 2017-07-12. Review status: criteria provided, single submitter. Criteria: ACMG Guidelines, 2015. Collection method: clinical testing. Allele origin: inherited. Inheritance: Autosomal dominant inheritance. Affected: yes. Observed: 1 variant allele, 1 heterozygote.
Comment: The c.7013_7039del mutation in NF1 gene, resulting p.Val2338_Leu2346del in the amino acid sequence of NF1 protein, has not been reported in patient with Neurofibromatosis type 1 yet. According to the functional prediction and two-generation pedigree analysis, this mutation was consider to be pathogenic in our case.